The following is an entry in ClinVar:

NM_002074.5(GNB1):c.867C>A (p.Tyr289Ter)

Gene: GNB1 (G protein subunit beta 1; minus strand). Cytogenetic location: 1p36.33.
Variant type: single nucleotide variant.
Coding change: c.867C>A on transcript NM_002074.5 (MANE Select); coding-DNA position 867, C replaced by A.
Protein change: p.Tyr289Ter; replaces tyrosine 289 with a stop codon.
Molecular consequence: nonsense.
Genome position (GRCh38, 1-based): chr1:1,789,102, G>T on the plus strand (C>A on the coding strand, the complement: GNB1 is on the minus strand). VCF-style: chr1-1789102-G-T. GRCh37 (hg19) VCF-style: chr1-1720541-G-T.
Other names: c.567C>A, p.Tyr189Ter (NM_001282538.2); c.867C>A, p.Tyr289Ter (NM_001282539.2); short protein forms Y289*, Y189*.
Identifiers: ClinVar variation 1385542 (VCV001385542.1), dbSNP rs771603036, ClinGen allele CA337903631.

ClinVar aggregate classification (germline): Uncertain significance (1 of 4 stars; one submission).

Submission:

Labcorp Genetics (formerly Invitae), Labcorp
Classification: Uncertain significance. Last evaluated: 2020-10-30. Review status: criteria provided, single submitter. Criteria: Invitae Variant Classification Sherloc (09022015). Collection method: clinical testing. Allele origin: germline.
Comment: This sequence change creates a premature translational stop signal (p.Tyr289*) in the GNB1 gene. It is expected to result in an absent or disrupted protein product. However, the current clinical and genetic evidence is not sufficient to establish whether loss-of-function variants in GNB1 cause disease. This variant is not present in population databases (ExAC no frequency). This variant has not been reported in the literature in individuals with GNB1-related conditions. Algorithms developed to predict the effect of sequence changes on RNA splicing suggest that this variant may create or strengthen a splice site, but this prediction has not been confirmed by published transcriptional studies. In summary, the available evidence is currently insufficient to determine the role of this variant in disease. Therefore, it has been classified as a Variant of Uncertain Significance.